The following is an entry in ClinVar:

ClinVar aggregate classification (germline): Likely pathogenic (1 of 4 stars; one submission).

Conditions:
Charlevoix-Saguenay spastic ataxia (SACS). Also called: AUTOSOMAL RECESSIVE SPASTIC ATAXIA OF CHARLEVOIX-SAGUENAY; Spastic ataxia of Charlevoix-Saguenay; SPASTIC ATAXIA 6, AUTOSOMAL RECESSIVE. Identifiers: Orphanet 98, MedGen C1849140, MONDO:0010041, OMIM 270550.

Submission:

PROSPAX: an integrated multimodal progression  chart in spastic ataxias, Center for Neurology; Hertie-Institute for Clinical Brain Research
Classification: Likely pathogenic for Charlevoix-Saguenay spastic ataxia. Last evaluated: 2022-01-01. Review status: criteria provided, single submitter. Criteria: ACMG Guidelines, 2015. Collection method: research. Allele origin: germline. Affected: yes.
Comment: Variant seen in compound het: [c.2182C>T;c.457+1G>A]

NM_014363.6(SACS):c.457+1G>A

Gene: SACS (sacsin molecular chaperone; minus strand). Cytogenetic location: 13q12.12.
Variant type: single nucleotide variant.
Coding change: c.457+1G>A on transcript NM_014363.6 (MANE Select); the canonical splice donor site of the intron after coding-DNA position 457, G replaced by A.
Molecular consequence: splice donor variant.
Genome position (GRCh38, 1-based): chr13:23,365,165, C>T on the plus strand (G>A on the coding strand, the complement: SACS is on the minus strand). VCF-style: chr13-23365165-C-T. GRCh37 (hg19) VCF-style: chr13-23939304-C-T.
Other names: c.16+1G>A (NM_001278055.2).
Identifiers: ClinVar variation 3242502 (VCV003242502.1).
Genomic context (GRCh38, chr13:23,365,165, plus strand): 5'-ATCATTAAAAACTGCCTGTTAGTGCATACAATAAAATTTGTTCCTAATTATTGATTCTTA[C>T]CCTGATATGGCGCCATATCTTTTGACCAAAGAGTCTCTGTTCCGTATTGAGTTTCATCAT-3'